The following is an entry in ClinVar:

NM_000465.4(BARD1):c.644A>G (p.Asn215Ser)

Gene: BARD1 (BRCA1 associated RING domain 1; minus strand). Cytogenetic location: 2q35.
Variant type: single nucleotide variant.
Coding change: c.644A>G on transcript NM_000465.4 (MANE Select); coding-DNA position 644, A replaced by G.
Protein change: p.Asn215Ser; replaces asparagine 215 with serine.
Molecular consequence: missense variant. On other transcripts: non-coding transcript variant (2), intron variant (3).
Genome position (GRCh38, 1-based): chr2:214,781,230, T>C on the plus strand (A>G on the coding strand, the complement: BARD1 is on the minus strand). VCF-style: chr2-214781230-T-C. GRCh37 (hg19) VCF-style: chr2-215645954-T-C.
Other names: c.587A>G, p.Asn196Ser (NM_001282543.2); c.158+28182A>G (NM_001282548.2); c.215+15831A>G (NM_001282545.2); c.364+11067A>G (NM_001282549.2); short protein forms N215S, N196S.
Identifiers: ClinVar variation 184301 (VCV000184301.36), dbSNP rs774929973, ClinGen allele CA188538.

ClinVar aggregate classification (germline): Conflicting classifications of pathogenicity. Review status: criteria provided, conflicting classifications (1 of 4 stars). 11 submissions from 11 submitters: Uncertain significance (10); Likely benign (1). Last evaluated 2026-05-27.

Conditions:
BARD1-related cancer predisposition. Identifiers: MedGen CN377756, MONDO:0700267.
BARD1-related disorder. Also called: BARD1-related condition.
Hereditary cancer-predisposing syndrome. Also called: Neoplastic Syndromes, Hereditary; Tumor predisposition; Hereditary neoplastic syndrome; Hereditary Cancer Syndrome. Identifiers: Orphanet 140162, MedGen C0027672, MeSH D009386, MONDO:0015356.
Familial cancer of breast. Also called: Hereditary breast cancer; BREAST CANCER, FAMILIAL; hereditary breast carcinoma. Identifiers: Orphanet 227535, MedGen C0346153, MONDO:0016419, OMIM 114480. Disease mechanism: loss of function.

Allele frequency attached by ClinVar (database versions not stated): gnomAD exomes below 0.00001 and 0.00002; ExAC 0.00001; gnomAD 0.00004; TOPMed 0.00005.
gnomAD v4.1: 37 of 1,594,960 alleles (0.0023%); highest among the groups gnomAD compares: Non-Finnish European, 0.0031%; no homozygotes.

Submissions (11):

PreventionGenetics, part of Exact Sciences
Classification: Uncertain significance for BARD1-related condition. Last evaluated: 2026-05-27. Review status: criteria provided, single submitter. Criteria: ACMG Guidelines, 2015. Collection method: clinical testing. Allele origin: germline.
Comment: The BARD1 c.644A>G variant is predicted to result in the amino acid substitution p.Asn215Ser. This variant has been reported in the literature in breast cancer cases and controls (Breast Cancer Association Consortium et al. 2021. PubMed ID: 33471991). This variant is reported in 0.0016% of alleles in individuals of European (Non-Finnish) descent in gnomAD. This variant has conflicting interpretations in ClinVar ranging from uncertain to likely benign (Variation ID: 184301). At this time, the clinical significance of this variant is uncertain due to the absence of conclusive functional and genetic evidence.

Dasa
Classification: Uncertain significance. Last evaluated: 2026-02-20. Review status: criteria provided, single submitter. Criteria: DASA Assertion Criteria. Collection method: clinical testing. Allele origin: germline.
Comment: NM_000465.4(BARD1):c.644A>G (p.Asn215Ser) is a missense variant that results in the substitution of asparagine with serine. This variant is rare in population databases. The currently available literature and clinical evidence are not sufficient to establish a definitive association between this variant and the reported condition. Therefore, this variant is classified as a variant of uncertain significance.

Labcorp Genetics (formerly Invitae), Labcorp
Classification: Uncertain significance for Familial cancer of breast. Last evaluated: 2026-01-13. Review status: criteria provided, single submitter. Criteria: Invitae Variant Classification Sherloc (09022015). Collection method: clinical testing. Allele origin: germline.
Comment: This sequence change replaces asparagine, which is neutral and polar, with serine, which is neutral and polar, at codon 215 of the BARD1 protein (p.Asn215Ser). The frequency data for this variant in the population databases is considered unreliable, as metrics indicate poor data quality at this position in the gnomAD database. This variant has not been reported in the literature in individuals affected with BARD1-related conditions. ClinVar contains an entry for this variant (Variation ID: 184301). An algorithm developed to predict the effect of missense changes on protein structure and function (PolyPhen-2) suggests that this variant is likely to be disruptive. In summary, the available evidence is currently insufficient to determine the role of this variant in disease. Therefore, it has been classified as a Variant of Uncertain Significance.

Color Diagnostics, LLC DBA Color Health
Classification: Uncertain significance for Hereditary cancer-predisposing syndrome. Last evaluated: 2025-09-08. Review status: criteria provided, single submitter. Criteria: ACMG Guidelines, 2015. Collection method: clinical testing. Allele origin: germline.
Comment: This missense variant replaces asparagine with serine at codon 215 of the BARD1 protein. Computational prediction suggests that this variant may not impact protein structure and function. To our knowledge, functional studies have not been reported for this variant. In a large breast cancer case-control study, this variant has been observed in 3/60463 cases and 7/53454 controlsOR=0.379 (95%CI 0.098 to 1.465)p-value=0.206 (PMID: 33471991 - Leiden Open Variation Database DB-ID BARD1_000394). This variant has been identified in 2/263944 chromosomes in the general population by the Genome Aggregation Database (gnomAD). The available evidence is insufficient to determine the role of this variant in disease conclusively. Therefore, this variant is classified as a Variant of Uncertain Significance.

Molecular Pathology, Peter Maccallum Cancer Centre
Classification: Uncertain significance for BARD1-related cancer predisposition. Last evaluated: 2025-04-16. Review status: criteria provided, single submitter. Criteria: ACMG Guidelines, 2015. Collection method: clinical testing. Allele origin: germline. Inheritance: Autosomal dominant inheritance.

GeneDx
Classification: Uncertain significance. Last evaluated: 2024-12-29. Review status: criteria provided, single submitter. Criteria: GeneDx Variant Classification Process June 2021. Collection method: clinical testing. Allele origin: germline. Affected: yes.
Comment: Not observed at significant frequency in large population cohorts (gnomAD); In silico analysis supports that this missense variant has a deleterious effect on protein structure/function; Observed in breast cancer cases but also in unaffected controls (PMID: 33471991); This variant is associated with the following publications: (PMID: 33471991)

Quest Diagnostics Nichols Institute San Juan Capistrano
Classification: Uncertain significance. Last evaluated: 2024-12-29. Review status: criteria provided, single submitter. Criteria: Quest Diagnostics criteria. Collection method: clinical testing. Allele origin: unknown.
Comment: The BARD1 c.644A>G (p.Asn215Ser) variant has been identified in the published literature in individuals with breast cancer as well as reportedly healthy individuals (PMID: 33471991 (2021), see also LOVD). The frequency of this variant in the general population (Genome Aggregation Database) is uninformative in the assessment of its pathogenicity. Analysis of this variant using bioinformatics tools for the prediction of the effect of amino acid changes on protein structure and function yielded conflicting predictions that this variant is benign or damaging. Based on the available information, we are unable to determine the clinical significance of this variant.

Myriad Genetics, Inc.
Classification: Likely benign for Familial cancer of breast. Last evaluated: 2024-07-22. Review status: criteria provided, single submitter. Criteria: Myriad Autosomal Dominant, Autosomal Recessive and X-Linked Classification Criteria (2023). Collection method: clinical testing. Allele origin: unknown.
Comment: This variant is considered likely benign. This variant is strongly associated with less severe personal and family histories of cancer, typical for individuals without pathogenic variants in this gene [PMID: 25085752].

Ambry Genetics
Classification: Uncertain significance for Hereditary cancer-predisposing syndrome. Last evaluated: 2024-02-16. Review status: criteria provided, single submitter. Criteria: Ambry Variant Classification Scheme 2023. Collection method: clinical testing. Allele origin: germline.
Comment: The p.N215S variant (also known as c.644A>G), located in coding exon 4 of the BARD1 gene, results from an A to G substitution at nucleotide position 644. The asparagine at codon 215 is replaced by serine, an amino acid with highly similar properties. This amino acid position is highly conserved in available vertebrate species. In addition, this alteration is predicted to be tolerated by in silico analysis. Based on the available evidence, the clinical significance of this alteration remains unclear.

Baylor Genetics
Classification: Uncertain significance for Familial cancer of breast. Last evaluated: 2024-02-16. Review status: criteria provided, single submitter. Criteria: ACMG Guidelines, 2015. Collection method: clinical testing. Allele origin: unknown.

Women's Health and Genetics/Laboratory Corporation of America, LabCorp
Classification: Uncertain significance. Last evaluated: 2018-03-16. Review status: criteria provided, single submitter. Criteria: LabCorp Variant Classification Summary - May 2015. Collection method: clinical testing. Allele origin: germline.
Comment: Variant summary: BARD1 c.644A>G (p.Asn215Ser) results in a conservative amino acid change in the encoded protein sequence. Four of five in-silico tools predict a damaging effect of the variant on protein function. The variant was observed with an allele frequency of 3.2e-05 in 30954 control chromosomes (gnomAD). The available data on variant occurrences in the general population are insufficient to allow any conclusion about variant significance. To our knowledge, no occurrence of c.644A>G in individuals affected with Hereditary Breast and Ovarian Cancer and no experimental evidence demonstrating its impact on protein function have been reported. Multiple ClinVar submissions from clinical diagnostic laboratories (evaluation after 2014) cite the variant as "uncertain significance."Based on the evidence outlined above, the variant was classified as uncertain significance.

Literature cited by the submitters: PubMed 33471991 (cited by Color Diagnostics, LLC DBA Color Health and Quest Diagnostics Nichols Institute San Juan Capistrano); PubMed 25085752 (cited by Myriad Genetics, Inc.).